The following is an entry in ClinVar:

ClinVar aggregate classification (germline): Uncertain significance (1 of 4 stars; one submission).

Allele frequency attached by ClinVar (database versions not stated): gnomAD exomes below 0.00001.
gnomAD v4.1: 1 of 1,613,386 alleles (0.000062%); highest among the groups gnomAD compares: South Asian, 0.0011%; no homozygotes.

Submission:

Labcorp Genetics (formerly Invitae), Labcorp
Classification: Uncertain significance. Last evaluated: 2022-08-05. Review status: criteria provided, single submitter. Criteria: Invitae Variant Classification Sherloc (09022015). Collection method: clinical testing. Allele origin: germline.
Comment: This sequence change falls in intron 9 of the KCNQ5 gene. It does not directly change the encoded amino acid sequence of the KCNQ5 protein. It affects a nucleotide within the consensus splice site. This variant is not present in population databases (gnomAD no frequency). This variant has not been reported in the literature in individuals affected with KCNQ5-related conditions. Variants that disrupt the consensus splice site are a relatively common cause of aberrant splicing (PMID: 17576681, 9536098). Algorithms developed to predict the effect of sequence changes on RNA splicing suggest that this variant is not likely to affect RNA splicing. In summary, the available evidence is currently insufficient to determine the role of this variant in disease. Therefore, it has been classified as a Variant of Uncertain Significance.

Literature cited by the submitters: PubMed 17576681; PubMed 9536098.

NM_019842.4(KCNQ5):c.1247+3T>C

Gene: KCNQ5 (potassium voltage-gated channel subfamily Q member 5; plus strand). Cytogenetic location: 6q13.
Variant type: single nucleotide variant.
Coding change: c.1247+3T>C on transcript NM_019842.4 (MANE Select); 3 bases into the intron after coding-DNA position 1247, T replaced by C.
Molecular consequence: intron variant.
Genome position (GRCh38, 1-based): chr6:73,124,515, T>C. VCF-style: chr6-73124515-T-C. GRCh37 (hg19) VCF-style: chr6-73834238-T-C.
Other names: c.1247+3T>C (NM_001160133.2, NM_001160134.2); c.1220+3938T>C (NM_001160132.2, NM_001160130.2).
Identifiers: ClinVar variation 2021454 (VCV002021454.4), dbSNP rs2533729780, ClinGen allele CA364827332.